The following is an entry in ClinVar:

NM_001029883.3(PCARE):c.3002G>C (p.Trp1001Ser)

Gene: PCARE (photoreceptor cilium actin regulator; minus strand). Cytogenetic location: 2p23.2.
Variant type: single nucleotide variant.
Coding change: c.3002G>C on transcript NM_001029883.3 (MANE Select); coding-DNA position 3002, G replaced by C.
Protein change: p.Trp1001Ser; replaces tryptophan 1001 with serine.
Molecular consequence: missense variant.
Genome position (GRCh38, 1-based): chr2:29,071,260, C>G on the plus strand (G>C on the coding strand, the complement: PCARE is on the minus strand). VCF-style: chr2-29071260-C-G. GRCh37 (hg19) VCF-style: chr2-29294126-C-G.
Other names: short protein forms W1001S.
Identifiers: ClinVar variation 1497836 (VCV001497836.5), dbSNP rs367658438, ClinGen allele CA44640172.

ClinVar aggregate classification (germline): Uncertain significance (1 of 4 stars; one submission).

Allele frequency attached by ClinVar (database versions not stated): ESP Exome Variant Server 0.00008.
gnomAD v4.1: 11 of 1,613,220 alleles (0.00068%); highest among the groups gnomAD compares: Admixed American, 0.012%; no homozygotes.

Submission:

Labcorp Genetics (formerly Invitae), Labcorp
Classification: Uncertain significance. Last evaluated: 2023-12-07. Review status: criteria provided, single submitter. Criteria: Invitae Variant Classification Sherloc (09022015). Collection method: clinical testing. Allele origin: germline.
Comment: This sequence change replaces tryptophan, which is neutral and slightly polar, with serine, which is neutral and polar, at codon 1001 of the PCARE protein (p.Trp1001Ser). This variant is present in population databases (rs367658438, gnomAD 0.01%). This variant has not been reported in the literature in individuals affected with PCARE-related conditions. ClinVar contains an entry for this variant (Variation ID: 1497836). An algorithm developed to predict the effect of missense changes on protein structure and function (PolyPhen-2) suggests that this variant¬†is likely to be tolerated. In summary, the available evidence is currently insufficient to determine the role of this variant in disease. Therefore, it has been classified as a Variant of Uncertain Significance.